The following is an entry in ClinVar:

NM_007294.4(BRCA1):c.339C>T (p.Asn113=)

Gene: BRCA1 (BRCA1 DNA repair associated; minus strand). Cytogenetic location: 17q21.31.
Variant type: single nucleotide variant.
Coding change: c.339C>T on transcript NM_007294.4 (MANE Select); coding-DNA position 339, C replaced by T.
Protein change: p.Asn113=; no amino-acid change (asparagine 113 retained).
Molecular consequence: synonymous variant. On other transcripts: 5 prime UTR variant (7), intron variant (2).
Genome position (GRCh38, 1-based): chr17:43,104,224, G>A on the plus strand (C>T on the coding strand, the complement: BRCA1 is on the minus strand). VCF-style: chr17-43104224-G-A. GRCh37 (hg19) VCF-style: chr17-41256241-G-A.
Other names: c.129C>T, p.Asn43= (NM_001407571.1, NM_001407853.1, NM_001407879.1 and 58 more transcripts); c.339C>T, p.Asn113= (NM_001407581.1, NM_001407582.1, NM_001407583.1 and 165 more transcripts); c.330C>T, p.Asn110= (NM_001407646.1, NM_001407647.1, NM_001408408.1); c.261C>T, p.Asn87= (NM_001407653.1, NM_001407654.1, NM_001407655.1 and 21 more transcripts); c.198C>T, p.Asn66= (NM_001407692.1, NM_001407694.1, NM_001407695.1 and 99 more transcripts); c.-43C>T (NM_001407959.1, NM_001407960.1, NM_001407962.1 and 4 more transcripts); c.207C>T, p.Asn69= (NM_001408451.1); c.-218-9364C>T (NM_001407967.1, NM_001407966.1).
Identifiers: ClinVar variation 427299 (VCV000427299.7), dbSNP rs587779367, ClinGen allele CA055755.
Genomic context (GRCh38, chr17:43,104,224, plus strand): 5'-ACGGTTTCTGTAGCCCATACTTTGGATGATAGAAACTTCATCTTTTAGATGTTCAGGAGA[G>A]TTATTTTCCTTTTTTGCAAAATTATAGCTGTTTGCATCTGTAAAATACAAGGGAAAACAT-3'
Protein context (NP_009225.1, residues 103-123): NSYNFAKKEN[Asn113=]SPEHLKDEVS

ClinVar aggregate classification (germline): Likely benign. Review status: reviewed by expert panel (3 of 4 stars). 2 submissions from 2 submitters: Likely benign (1). 1 of the submissions does not count toward it. Last evaluated 2017-06-29.

Conditions:
Hereditary breast ovarian cancer syndrome. Also called: Hereditary breast and ovarian cancer syndrome (HBOC); BRCA1- and BRCA2-Associated Hereditary Breast and Ovarian Cancer; Hereditary breast and/or ovarian cancer syndrome; Hereditary breast and ovarian cancer syndrome; Hereditary breast and ovarian cancer; Breast and ovarian cancer. Identifiers: Orphanet 145, MedGen C0677776, MeSH D061325, MONDO:0003582. Disease mechanism: loss of function.
Breast-ovarian cancer, familial, susceptibility to, 1 (BROVCA1). Also called: BRCA1 Hereditary Breast and Ovarian Cancer; OVARIAN CANCER, SUSCEPTIBILITY TO. Identifiers: Orphanet 145, MedGen C2676676, MONDO:0011450, OMIM 604370. Disease mechanism: loss of function.

Allele frequency attached by ClinVar (database versions not stated): gnomAD exomes below 0.00001; ExAC 0.00001.
gnomAD v4.1: 1 of 1,612,680 alleles (0.000062%); highest among the groups gnomAD compares: Non-Finnish European, 0.000085%; no homozygotes.

Submissions (2):

Evidence-based Network for the Interpretation of Germline Mutant Alleles (ENIGMA)
Classification: Likely benign for Breast-ovarian cancer, familial, susceptibility to, 1. Last evaluated: 2017-06-29. Review status: reviewed by expert panel. Criteria: ENIGMA BRCA1/2 Classification Criteria (2017-06-29). Collection method: curation. Allele origin: germline.
Comment: Synonymous substitution variant, with low bioinformatic likelihood to result in a splicing aberration (Splicing prior probability 0.02).

Labcorp Genetics (formerly Invitae), Labcorp
Classification: Likely benign for Hereditary breast ovarian cancer syndrome. Last evaluated: 2023-12-05. Review status: criteria provided, single submitter. Criteria: Invitae Variant Classification Sherloc (09022015). Collection method: clinical testing. Allele origin: germline. Not counted in ClinVar's aggregate classification.